The following is an entry in ClinVar:

NM_005076.5(CNTN2):c.1288G>A (p.Ala430Thr)

Gene: CNTN2 (contactin 2; plus strand). Cytogenetic location: 1q32.1.
Variant type: single nucleotide variant.
Coding change: c.1288G>A on transcript NM_005076.5 (MANE Select); coding-DNA position 1288, G replaced by A.
Protein change: p.Ala430Thr; replaces alanine 430 with threonine.
Molecular consequence: missense variant. On other transcripts: non-coding transcript variant (1).
Genome position (GRCh38, 1-based): chr1:205,064,369, G>A. VCF-style: chr1-205064369-G-A. GRCh37 (hg19) VCF-style: chr1-205033497-G-A.
Other names: c.1288G>A, p.Ala430Thr (NM_001346083.2); short protein forms A430T.
Identifiers: ClinVar variation 1435645 (VCV001435645.5), dbSNP rs1444735689, ClinGen allele CA344374765.
Genomic context (GRCh38, chr1:205,064,369, plus strand): 5'-CCTTTCCTTCTAGCACTCGCCCCTGACTTCAGGCTGAATCCCGTGAGGCGTCTGATCCCC[G>A]CGGCCCGCGGGGGAGAGATCCTTATCCCCTGCCAGCCCCGGGCAGCTCCAAAGGCCGTGG-3'
Protein context (NP_005067.1, residues 420-440): RLNPVRRLIP[Ala430Thr]ARGGEILIPC

ClinVar aggregate classification (germline): Uncertain significance (1 of 4 stars; one submission).

Conditions:
Epilepsy, familial adult myoclonic, 5 (EPEO5). Also called: CORTICAL MYOCLONIC TREMOR WITH EPILEPSY, FAMILIAL, 5. Identifiers: Orphanet 86814, MedGen C3809374, MONDO:0014167, OMIM 615400.

Allele frequency attached by ClinVar (database versions not stated): TOPMed below 0.00001.
gnomAD v4.1: 14 of 1,606,496 alleles (0.00087%); highest among the groups gnomAD compares: Admixed American, 0.005%; no homozygotes.

Submission:

Labcorp Genetics (formerly Invitae), Labcorp
Classification: Uncertain significance for Epilepsy, familial adult myoclonic, 5. Last evaluated: 2021-09-24. Review status: criteria provided, single submitter. Criteria: Invitae Variant Classification Sherloc (09022015). Collection method: clinical testing. Allele origin: germline.
Comment: This sequence change replaces alanine with threonine at codon 430 of the CNTN2 protein (p.Ala430Thr). The alanine residue is highly conserved and there is a small physicochemical difference between alanine and threonine. This variant is not present in population databases (ExAC no frequency). This variant has not been reported in the literature in individuals affected with CNTN2-related conditions. Advanced modeling of protein sequence and biophysical properties (such as structural, functional, and spatial information, amino acid conservation, physicochemical variation, residue mobility, and thermodynamic stability) performed at Invitae indicates that this missense variant is not expected to disrupt CNTN2 protein function. In summary, the available evidence is currently insufficient to determine the role of this variant in disease. Therefore, it has been classified as a Variant of Uncertain Significance.